The following is an entry in ClinVar:

ClinVar aggregate classification (germline): Uncertain significance (1 of 4 stars; one submission).

gnomAD v4.1: 4 of 1,614,128 alleles (0.00025%); no homozygotes.

Submission:

Labcorp Genetics (formerly Invitae), Labcorp
Classification: Uncertain significance. Last evaluated: 2024-06-05. Review status: criteria provided, single submitter. Criteria: Invitae Variant Classification Sherloc (09022015). Collection method: clinical testing. Allele origin: germline.
Comment: This sequence change replaces lysine, which is basic and polar, with arginine, which is basic and polar, at codon 123 of the RELA protein (p.Lys123Arg). This variant is present in population databases (rs749535863, gnomAD 0.01%). This variant has not been reported in the literature in individuals affected with RELA-related conditions. An algorithm developed to predict the effect of missense changes on protein structure and function (PolyPhen-2) suggests that this variant is likely to be disruptive. In summary, the available evidence is currently insufficient to determine the role of this variant in disease. Therefore, it has been classified as a Variant of Uncertain Significance.

NM_021975.4(RELA):c.368A>G (p.Lys123Arg)

Gene: RELA (RELA proto-oncogene, NF-kB subunit; minus strand). Cytogenetic location: 11q13.1.
Variant type: single nucleotide variant.
Coding change: c.368A>G on transcript NM_021975.4 (MANE Select); coding-DNA position 368, A replaced by G.
Protein change: p.Lys123Arg; replaces lysine 123 with arginine.
Molecular consequence: missense variant. On other transcripts: intron variant (1).
Genome position (GRCh38, 1-based): chr11:65,660,183, T>C on the plus strand (A>G on the coding strand, the complement: RELA is on the minus strand). VCF-style: chr11-65660183-T-C. GRCh37 (hg19) VCF-style: chr11-65427654-T-C.
Other names: c.368A>G, p.Lys123Arg (NM_001145138.2, NM_001243984.2, NM_001243985.2 and 2 more transcripts); c.401A>G, p.Lys134Arg (NM_001404657.1); c.341A>G, p.Lys114Arg (NM_001404658.1); c.275A>G, p.Lys92Arg (NM_001404662.1, NM_001404663.1); c.47-386A>G (NM_001404661.1); short protein forms K134R, K114R, K123R, K92R.
Identifiers: ClinVar variation 3655602 (VCV003655602.2).